The following is an entry in ClinVar:

NR_001566.3(TERC):n.67G>T

Genes: TERC (telomerase RNA component; minus strand), LOC110806306 (telomerase RNA component (TERC) promoter; plus strand). Cytogenetic location: 3q26.2.
Variant type: single nucleotide variant.
Molecular consequence: non-coding transcript variant (on NR_001566.3).
Genome position: GRCh38 VCF-style: chr3-169764994-C-A. GRCh37 (hg19) VCF-style: chr3-169482782-C-A.
Identifiers: ClinVar variation 5010239 (VCV005010239.1).

ClinVar aggregate classification (germline): Likely pathogenic (1 of 4 stars; one submission).

Submission:

Genetic Services Laboratory, University of Chicago
Classification: Likely pathogenic. Last evaluated: 2025-07-15. Review status: criteria provided, single submitter. Criteria: ACMG Guidelines, 2015. Collection method: clinical testing. Allele origin: germline.
Comment: The n.67G>T variant: Has been previously described in an individual with aplastic anemia and shortened telomeres (PMID: 30523342). Has not been described in population databases such as gnomAD v4. Occurs in the template/pseudoknot domain, which is required for RNA or RNP stability (PMID: 15082312). Additionally, a different variant at the same position (n.67G>A) has been described in an individual with constitutional aplastic anemia (PMID: 21931702). A functional study of n.67G>A indicated that this variant resulted in reduced telomerase activity compared to wild-type (PMID: 21931702). ClinVar does not contain an entry for this variant. Collectively, this evidence indicates that this variant is likely pathogenic.